The following is an entry in ClinVar:

NM_013427.3(ARHGAP6):c.712G>A (p.Asp238Asn)

Gene: ARHGAP6 (Rho GTPase activating protein 6; minus strand). Cytogenetic location: Xp22.2.
Variant type: single nucleotide variant.
Coding change: c.712G>A on transcript NM_013427.3 (MANE Select); coding-DNA position 712, G replaced by A.
Protein change: p.Asp238Asn; replaces aspartic acid 238 with asparagine.
Molecular consequence: missense variant. On other transcripts: non-coding transcript variant (1).
Genome position (GRCh38, 1-based): chrX:11,254,584, C>T on the plus strand (G>A on the coding strand, the complement: ARHGAP6 is on the minus strand). VCF-style: chrX-11254584-C-T. GRCh37 (hg19) VCF-style: chrX-11272704-C-T.
Other names: c.172G>A, p.Asp58Asn (NM_001287242.2); c.712G>A, p.Asp238Asn (NM_006125.3); c.103G>A, p.Asp35Asn (NM_013423.3); short protein forms D238N, D58N, D35N.
Identifiers: ClinVar variation 4982699 (VCV004982699.1).
Genomic context (GRCh38, chrX:11,254,584, plus strand): 5'-GCAGAAAGGCAGAAGAGGCCTTACCTTTGGGAATGGTGATCTGACAGCTCAGGTCACAGT[C>T]CTGTTGCAACTGATAAAAAGCCACTTCCTGCAGCCGGGCCCTCTCCAGCTCTGAGAGACT-3'
Protein context (NP_038286.2, residues 228-248): QEVAFYQLQQ[Asp238Asn]CDLSCQITIP

ClinVar aggregate classification (germline): Likely benign (1 of 4 stars; one submission).

Conditions:
ARHGAP6-related disorder. Also called: ARHGAP6-related condition.

gnomAD v4.1: 230 of 1,208,042 alleles (0.019%); highest among the groups gnomAD compares: Admixed American, 0.042%; no homozygotes.

Submission:

PreventionGenetics, part of Exact Sciences
Classification: Likely benign for ARHGAP6-related condition. Last evaluated: 2025-12-10. Review status: criteria provided, single submitter. Criteria: ACMG Guidelines, 2015. Collection method: clinical testing. Allele origin: germline.
Comment: This variant is classified as likely benign based on ACMG/AMP sequence variant interpretation guidelines (Richards et al. 2015 PMID: 25741868, with internal and published modifications).